The following is an entry in ClinVar:

NM_017433.5(MYO3A):c.1104_1105delinsTA (p.Val369Ile)

Gene: MYO3A (myosin IIIA; plus strand). Cytogenetic location: 10p12.1.
Variant type: Indel.
Coding change: c.1104_1105delinsTA on transcript NM_017433.5 (MANE Select); coding-DNA positions 1104 to 1105, CG replaced by TA.
Protein change: p.Val369Ile; replaces valine 369 with isoleucine.
Molecular consequence: missense variant.
Genome position (GRCh38, 1-based): chr10:26,068,818-26,068,819, CG replaced by TA. VCF-style: chr10-26068818-CG-TA. GRCh37 (hg19) VCF-style: chr10-26357747-CG-TA.
Other names: short protein forms V369I.
Identifiers: ClinVar variation 260810 (VCV000260810.11), dbSNP rs386742102, ClinGen allele CA10587079.
Genomic context (GRCh38, chr10:26,068,818, plus strand): 5'-TTTATTGCAGAATACAGTCTCAGAGCAACTTGAGAAGTGTTATTCCAGAGATCAGATCTA[CG>TA]TCTATGTGGGAGACATACTCATTGCTCTTAACCCTTTTCAGAGTCTGGGTCTTTACTCCA-3'
Protein context (NP_059129.3, residues 359-379): EKCYSRDQIY[Val369Ile]YVGDILIALN

ClinVar aggregate classification (germline): Benign/Likely benign. Review status: criteria provided, multiple submitters, no conflicts (2 of 4 stars). 3 submissions from 3 submitters: Benign (2); Likely benign (1). Last evaluated 2026-02-03.

Submissions (3):

Labcorp Genetics (formerly Invitae), Labcorp
Classification: Likely benign. Last evaluated: 2026-02-03. Review status: criteria provided, single submitter. Criteria: Invitae Variant Classification Sherloc (09022015). Collection method: clinical testing. Allele origin: germline.

GeneDx
Classification: Benign. Last evaluated: 2018-11-28. Review status: criteria provided, single submitter. Criteria: GeneDx Variant Classification Process June 2021. Collection method: clinical testing. Allele origin: germline. Affected: yes.
Comment: This variant is associated with the following publications: (PMID: 17344846, 26841241, 27582493)

PreventionGenetics, part of Exact Sciences
Classification: Benign. Review status: criteria provided, single submitter. Criteria: ACMG Guidelines, 2015. Collection method: clinical testing. Allele origin: germline.